The following is an entry in ClinVar:

ClinVar aggregate classification (germline): Conflicting classifications of pathogenicity. Review status: criteria provided, conflicting classifications (1 of 4 stars). 3 submissions from 3 submitters: Uncertain significance (1); Likely benign (2). Last evaluated 2025-10-02.

Conditions:
Familial hypobetalipoproteinemia 1. Also called: APOB-Related Familial Hypobetalipoproteinemia; Hypobetalipoproteinemia, normotriglyceridemic; Acanthocytosis with hypobetalipoproteinemia. Identifiers: MedGen C4551990, MONDO:0014252, OMIM 615558.
Hypercholesterolemia, autosomal dominant, type B (FHCL2). Also called: APOLIPOPROTEIN B-100, FAMILIAL DEFECTIVE; APOLIPOPROTEIN B-100, FAMILIAL LIGAND-DEFECTIVE; HYPERCHOLESTEROLEMIA, FAMILIAL, DUE TO LIGAND-DEFECTIVE APOLIPOPROTEIN B; Familial Hypercholesterolemia Type B; APOB-Related Familial Hypercholesterolemia, Autosomal Dominant; Hyperlipoproteinemia Type IIb. Identifiers: MedGen C1704417, MONDO:0007751, OMIM 144010.
Cardiovascular phenotype. Identifiers: MedGen CN230736.

Allele frequency attached by ClinVar (database versions not stated): ExAC 0.00001; gnomAD 0.00002.
gnomAD v4.1: 27 of 1,613,944 alleles (0.0017%); highest among the groups gnomAD compares: Non-Finnish European, 0.002%; no homozygotes.

Submissions (3):

Labcorp Genetics (formerly Invitae), Labcorp
Classification: Likely benign for Familial hypobetalipoproteinemia 1; Hypercholesterolemia, autosomal dominant, type B. Last evaluated: 2025-10-02. Review status: criteria provided, single submitter. Criteria: Invitae Variant Classification Sherloc (09022015). Collection method: clinical testing. Allele origin: germline.

Ambry Genetics
Classification: Likely benign for Cardiovascular phenotype. Last evaluated: 2025-06-26. Review status: criteria provided, single submitter. Criteria: Ambry Variant Classification Scheme 2023. Collection method: clinical testing. Allele origin: germline.

GeneDx
Classification: Uncertain significance. Last evaluated: 2024-12-18. Review status: criteria provided, single submitter. Criteria: GeneDx Variant Classification Process June 2021. Collection method: clinical testing. Allele origin: germline. Affected: yes.
Comment: In silico analysis supports that this missense variant has a deleterious effect on protein structure/function; Has not been previously published as pathogenic or benign to our knowledge

NM_000384.3(APOB):c.9923A>C (p.His3308Pro)

Gene: APOB (apolipoprotein B; minus strand). Cytogenetic location: 2p24.1.
Variant type: single nucleotide variant.
Coding change: c.9923A>C on transcript NM_000384.3 (MANE Select); coding-DNA position 9923, A replaced by C.
Protein change: p.His3308Pro; replaces histidine 3308 with proline.
Molecular consequence: missense variant.
Genome position (GRCh38, 1-based): chr2:21,006,945, T>G on the plus strand (A>C on the coding strand, the complement: APOB is on the minus strand). VCF-style: chr2-21006945-T-G. GRCh37 (hg19) VCF-style: chr2-21229817-T-G.
Other names: short protein forms H3308P.
Identifiers: ClinVar variation 2451322 (VCV002451322.6), dbSNP rs757750438, ClinGen allele CA066958.